The following is an entry in ClinVar:

ClinVar aggregate classification (germline): Likely benign (1 of 4 stars; one submission).

gnomAD v4.1: 198 of 1,210,357 alleles (0.016%); highest among the groups gnomAD compares: Non-Finnish European, 0.0045%; no homozygotes.

Submission:

Women's Health and Genetics/Laboratory Corporation of America, LabCorp
Classification: Likely benign. Last evaluated: 2026-05-06. Review status: criteria provided, single submitter. Criteria: LabCorp Variant Classification Summary - May 2015. Collection method: clinical testing. Allele origin: germline.
Comment: Variant summary: FRMPD4 c.2389G>A (p.Asp797Asn) results in a conservative amino acid change in the encoded protein sequence. Algorithms developed to predict the effect of missense changes on protein structure and function are either unavailable or do not agree on the potential impact of this missense change. The variant allele was found at a frequency of 0.00016 in 1210357 control chromosomes, predominantly at a frequency of 0.0031 within the Finnish subpopulation in the gnomAD database, including 55 hemizygotes. The observed variant frequency within Finnish control individuals in the gnomAD database exceeds the estimated maximal expected allele frequency for disease-causing variants in FRMPD4. To our knowledge, no occurrence of c.2389G>A in individuals affected with FRMPD4-related conditions and no experimental evidence demonstrating its impact on protein function have been reported. No submitters have cited clinical-significance assessments for this variant to ClinVar. Based on the evidence outlined above, the variant was classified as likely benign.

NM_001368397.1(FRMPD4):c.2389G>A (p.Asp797Asn)

Gene: FRMPD4 (FERM and PDZ domain containing 4; plus strand). Cytogenetic location: Xp22.2.
Variant type: single nucleotide variant.
Coding change: c.2389G>A on transcript NM_001368397.1 (MANE Select); coding-DNA position 2389, G replaced by A.
Protein change: p.Asp797Asn; replaces aspartic acid 797 with asparagine.
Molecular consequence: missense variant.
Genome position (GRCh38, 1-based): chrX:12,716,848, G>A. VCF-style: chrX-12716848-G-A. GRCh37 (hg19) VCF-style: chrX-12734967-G-A.
Other names: c.2500G>A, p.Asp834Asn (NM_001368395.3, NM_001368398.3); c.2395G>A, p.Asp799Asn (NM_001368396.3); c.2380G>A, p.Asp794Asn (NM_001368399.3); c.2269G>A, p.Asp757Asn (NM_001368400.3); c.2365G>A, p.Asp789Asn (NM_001368401.1, NM_001368402.3); c.2389G>A, p.Asp797Asn (NM_014728.3); short protein forms D757N, D789N, D794N, D797N, D799N, D834N.
Identifiers: ClinVar variation 4853509 (VCV004853509.1).